The following is an entry in ClinVar:

ClinVar aggregate classification (germline): Uncertain significance (1 of 4 stars; one submission).

Submission:

GeneDx
Classification: Uncertain significance. Last evaluated: 2024-09-19. Review status: criteria provided, single submitter. Criteria: GeneDx Variant Classification Process June 2021. Collection method: clinical testing. Allele origin: germline. Affected: yes.
Comment: Not observed at significant frequency in large population cohorts (gnomAD); In silico analysis supports that this missense variant has a deleterious effect on protein structure/function; Has not been previously published as pathogenic or benign to our knowledge

NM_022552.5(DNMT3A):c.907T>C (p.Phe303Leu)

Gene: DNMT3A (DNA methyltransferase 3 alpha; minus strand). Cytogenetic location: 2p23.3.
Variant type: single nucleotide variant.
Coding change: c.907T>C on transcript NM_022552.5 (MANE Select); coding-DNA position 907, T replaced by C.
Protein change: p.Phe303Leu; replaces phenylalanine 303 with leucine.
Molecular consequence: missense variant. On other transcripts: non-coding transcript variant (1).
Genome position (GRCh38, 1-based): chr2:25,247,698, A>G on the plus strand (T>C on the coding strand, the complement: DNMT3A is on the minus strand). VCF-style: chr2-25247698-A-G. GRCh37 (hg19) VCF-style: chr2-25470567-A-G.
Other names: c.451T>C, p.Phe151Leu (NM_001320893.1); c.238T>C, p.Phe80Leu (NM_001375819.1); c.340T>C, p.Phe114Leu (NM_153759.3); c.907T>C, p.Phe303Leu (NM_175629.2); short protein forms F114L, F151L, F303L, F80L.
Identifiers: ClinVar variation 3774181 (VCV003774181.1).